The following is an entry in ClinVar:

ClinVar aggregate classification (germline): Uncertain significance. Review status: criteria provided, multiple submitters, no conflicts (2 of 4 stars). 2 submissions from 2 submitters: Uncertain significance (2). Last evaluated 2025-12-04.

Conditions:
Inborn genetic diseases. Identifiers: MedGen C0950123, MeSH D030342.

Allele frequency attached by ClinVar (database versions not stated): TOPMed 0.00001; gnomAD exomes 0.00002 and 0.00003; ExAC 0.00001.
gnomAD v4.1: 38 of 1,614,144 alleles (0.0024%); highest among the groups gnomAD compares: Non-Finnish European, 0.0031%; no homozygotes.

Submissions (2):

Ambry Genetics
Classification: Uncertain significance for Inborn genetic diseases. Last evaluated: 2025-12-04. Review status: criteria provided, single submitter. Criteria: Ambry Variant Classification Scheme 2023. Collection method: clinical testing. Allele origin: germline.

Labcorp Genetics (formerly Invitae), Labcorp
Classification: Uncertain significance. Last evaluated: 2022-06-24. Review status: criteria provided, single submitter. Criteria: Invitae Variant Classification Sherloc (09022015). Collection method: clinical testing. Allele origin: germline.
Comment: This sequence change replaces proline, which is neutral and non-polar, with serine, which is neutral and polar, at codon 159 of the CNNM4 protein (p.Pro159Ser). This variant is present in population databases (rs777028877, gnomAD 0.004%). This variant has not been reported in the literature in individuals affected with CNNM4-related conditions. ClinVar contains an entry for this variant (Variation ID: 1020857). Algorithms developed to predict the effect of missense changes on protein structure and function (SIFT, PolyPhen-2, Align-GVGD) all suggest that this variant is likely to be tolerated. In summary, the available evidence is currently insufficient to determine the role of this variant in disease. Therefore, it has been classified as a Variant of Uncertain Significance.

NM_020184.4(CNNM4):c.475C>T (p.Pro159Ser)

Gene: CNNM4 (cyclin and CBS domain divalent metal cation transport mediator 4; plus strand). Cytogenetic location: 2q11.2.
Variant type: single nucleotide variant.
Coding change: c.475C>T on transcript NM_020184.4 (MANE Select); coding-DNA position 475, C replaced by T.
Protein change: p.Pro159Ser; replaces proline 159 with serine.
Molecular consequence: missense variant.
Genome position (GRCh38, 1-based): chr2:96,761,474, C>T. VCF-style: chr2-96761474-C-T. GRCh37 (hg19) VCF-style: chr2-97427211-C-T.
Other names: c.475C>T (NM_020184.3); short protein forms P159S.
Identifiers: ClinVar variation 1020857 (VCV001020857.10), dbSNP rs777028877, ClinGen allele CA1783218.